The following is an entry in ClinVar:

ClinVar aggregate classification (germline): Uncertain significance (1 of 4 stars; one submission).

gnomAD v4.1: 2 of 1,613,498 alleles (0.00012%); highest among the groups gnomAD compares: Non-Finnish European, 0.00017%; no homozygotes.

Submission:

Labcorp Genetics (formerly Invitae), Labcorp
Classification: Uncertain significance. Last evaluated: 2024-06-13. Review status: criteria provided, single submitter. Criteria: Invitae Variant Classification Sherloc (09022015). Collection method: clinical testing. Allele origin: germline.
Comment: This sequence change replaces proline, which is neutral and non-polar, with serine, which is neutral and polar, at codon 344 of the ATRIP protein (p.Pro344Ser). This variant is not present in population databases (gnomAD no frequency). This variant has not been reported in the literature in individuals affected with ATRIP-related conditions. Algorithms developed to predict the effect of missense changes on protein structure and function output the following: SIFT: "Not Available"; PolyPhen-2: "Benign"; Align-GVGD: "Not Available". The serine amino acid residue is found in multiple mammalian species, which suggests that this missense change does not adversely affect protein function. In summary, the available evidence is currently insufficient to determine the role of this variant in disease. Therefore, it has been classified as a Variant of Uncertain Significance.

NM_130384.3(ATRIP):c.1030C>T (p.Pro344Ser)

Genes: ATRIP (ATR interacting protein; plus strand), ATRIP-TREX1 (ATRIP-TREX1 readthrough; plus strand). Cytogenetic location: 3p21.31.
Variant type: single nucleotide variant.
Coding change: c.1030C>T on transcript NM_130384.3 (MANE Select); coding-DNA position 1030, C replaced by T.
Protein change: p.Pro344Ser; replaces proline 344 with serine.
Molecular consequence: missense variant. On other transcripts: non-coding transcript variant (1).
Genome position (GRCh38, 1-based): chr3:48,459,891, C>T. VCF-style: chr3-48459891-C-T. GRCh37 (hg19) VCF-style: chr3-48501290-C-T.
Other names: c.649C>T, p.Pro217Ser (NM_001271022.2); c.751C>T, p.Pro251Ser (NM_001271023.2); c.1030C>T, p.Pro344Ser (NM_032166.4); short protein forms P344S, P217S, P251S.
Identifiers: ClinVar variation 3693309 (VCV003693309.2).